The following is an entry in ClinVar:

ClinVar aggregate classification (germline): Uncertain significance (1 of 4 stars; one submission).

Conditions:
Hereditary cancer-predisposing syndrome. Also called: Neoplastic Syndromes, Hereditary; Hereditary Cancer Syndrome; Tumor predisposition; Hereditary neoplastic syndrome. Identifiers: Orphanet 140162, MedGen C0027672, MeSH D009386, MONDO:0015356.

Submission:

Ambry Genetics
Classification: Uncertain significance for Hereditary cancer-predisposing syndrome. Last evaluated: 2022-12-27. Review status: criteria provided, single submitter. Criteria: Ambry Variant Classification Scheme 2023. Collection method: clinical testing. Allele origin: germline.
Comment: The p.N1003T variant (also known as c.3008A>C), located in coding exon 10 of the PALB2 gene, results from an A to C substitution at nucleotide position 3008. The asparagine at codon 1003 is replaced by threonine, an amino acid with similar properties. This amino acid position is conserved. In addition, this alteration is predicted to be tolerated by in silico analysis. Since supporting evidence is limited at this time, the clinical significance of this alteration remains unclear.

NM_024675.4(PALB2):c.3008A>C (p.Asn1003Thr)

Gene: PALB2 (partner and localizer of BRCA2; minus strand). Cytogenetic location: 16p12.2.
Variant type: single nucleotide variant.
Coding change: c.3008A>C on transcript NM_024675.4 (MANE Select); coding-DNA position 3008, A replaced by C.
Protein change: p.Asn1003Thr; replaces asparagine 1003 with threonine.
Molecular consequence: missense variant. On other transcripts: intron variant (1).
Genome position (GRCh38, 1-based): chr16:23,621,467, T>G on the plus strand (A>C on the coding strand, the complement: PALB2 is on the minus strand). VCF-style: chr16-23621467-T-G. GRCh37 (hg19) VCF-style: chr16-23632788-T-G.
Other names: c.2948A>C, p.Asn983Thr (NM_001407296.1); c.2936A>C, p.Asn979Thr (NM_001407297.1); c.2846A>C, p.Asn949Thr (NM_001407298.1, NM_001407302.1); c.3008A>C, p.Asn1003Thr (NM_001407299.1, NM_001407301.1); c.2123A>C, p.Asn708Thr (NM_001407304.1, NM_001407305.1, NM_001407306.1 and 4 more transcripts); c.1961A>C, p.Asn654Thr (NM_001407307.1); c.1220A>C, p.Asn407Thr (NM_001407312.1, NM_001407313.1); c.542A>C, p.Asn181Thr (NM_001407314.1); and 1 more; short protein forms N1003T, N181T, N407T, N949T, N979T, N983T, N708T, N654T.
Identifiers: ClinVar variation 2447307 (VCV002447307.2), dbSNP rs2142328358, ClinGen allele CA395143186.